The following is an entry in ClinVar:

NM_000037.4(ANK1):c.3754C>T (p.Arg1252Ter)

Gene: ANK1 (ankyrin 1; minus strand). Cytogenetic location: 8p11.21.
Variant type: single nucleotide variant.
Coding change: c.3754C>T on transcript NM_000037.4 (MANE Select); coding-DNA position 3754, C replaced by T.
Protein change: p.Arg1252Ter; replaces arginine 1252 with a stop codon.
Molecular consequence: nonsense.
Genome position (GRCh38, 1-based): chr8:41,692,752, G>A on the plus strand (C>T on the coding strand, the complement: ANK1 is on the minus strand). VCF-style: chr8-41692752-G-A. GRCh37 (hg19) VCF-style: chr8-41550270-G-A.
Other names: p.Arg1252*; c.3877C>T, p.Arg1293Ter (NM_001142446.2); c.3754C>T, p.Arg1252Ter (NM_020475.3, NM_020476.3, NM_020477.3); c.3754C>T (NM_000037.3); short protein forms R1252*, R1293*.
Identifiers: ClinVar variation 2435016 (VCV002435016.12), dbSNP rs1819628292, ClinGen allele CA371058778.
Genomic context (GRCh38, chr8:41,692,752, plus strand): 5'-GCTCCAGGGTCTTGTCCACTTTATCATCTGTCATGCAGTAGCAGCGCAGGCGCCCCTCTC[G>A]GGGGTCATTCATCTTGGCAAAGATGACGAATTTGGCCATGTAGGGCACTGCAGTGAGCTC-3'

ClinVar aggregate classification (germline): Pathogenic. Review status: criteria provided, multiple submitters, no conflicts (2 of 4 stars). 8 submissions from 8 submitters: Pathogenic (8). Last evaluated 2025-04-18.

Conditions:
Hereditary spherocytosis type 1. Also called: Spherocytosis type 1; ANK1-Related Spherocytosis. Identifiers: Orphanet 822, MedGen C2674218, MONDO:0008447, OMIM 182900.
Inborn genetic diseases. Identifiers: MedGen C0950123, MeSH D030342.
ANK1-related disorder. Also called: ANK1-related condition.

Submissions (8):

Variantyx, Inc.
Classification: Pathogenic for Hereditary spherocytosis type 1. Last evaluated: 2025-04-18. Review status: criteria provided, single submitter. Criteria: Variantyx Assertion Criteria 2022. Collection method: clinical testing. Allele origin: germline. Inheritance: Autosomal recessive inheritance. Affected: yes.
Comment: This is a nonsense variant in the ANK1 gene (OMIM: 612641). Pathogenic variants in this gene have been associated with autosomal dominant or autosomal recessive spherocytosis type 1. This variant likely occurred de novo in an individual reported in the published literature; however, the possibility of parental germline mosaicism cannot be excluded (PMID: 32036089) (PS2_Moderate). This variant introduces a premature termination codon in exon 31 out of 43 and is expected to result in loss of function, which is a known disease mechanism for ANK1 in this disorder (PMID: 8640229) (PVS1). This variant has been reported in at least 3 unrelated affected individuals (PMID: 11372755, 30207817, 31122244) (PS4_Moderate) and is absent from control populations (PM2). Based on the current evidence, this variant is classified as pathogenic for autosomal dominant spherocytosis type 1.

Mayo Clinic Laboratories, Mayo Clinic
Classification: Pathogenic. Last evaluated: 2024-12-26. Review status: criteria provided, single submitter. Criteria: ACMG Guidelines, 2015. Collection method: clinical testing. Allele origin: germline. Observed: 5 variant alleles.
Comment: PP5, PM1, PM2_moderate, PVS1

Revvity Omics, Revvity
Classification: Pathogenic for Hereditary spherocytosis type 1. Last evaluated: 2024-07-29. Review status: criteria provided, single submitter. Criteria: ACMG Guidelines, 2015. Collection method: clinical testing. Allele origin: germline.

Blueprint Genetics
Classification: Pathogenic for ANK1-related disorders. Last evaluated: 2024-05-15. Review status: criteria provided, single submitter. Criteria: ACMG Guidelines, 2015. Collection method: clinical testing. Allele origin: germline. Affected: yes. Observed: 2 variant alleles.

ARUP Laboratories, Molecular Genetics and Genomics, ARUP Laboratories
Classification: Pathogenic for Hereditary spherocytosis type 1. Last evaluated: 2024-05-02. Review status: criteria provided, single submitter. Criteria: ARUP Molecular Germline Variant Investigation Process 2024. Collection method: clinical testing. Allele origin: germline.
Comment: The ANK1 c.3754C>T; p.Arg1252Ter variant (rs1819628292) is reported in the literature in multiple individuals affected with hereditary spherocytosis (Jamwal 2020, Kang 2023, More 2023, Nakanishi 2001, Tan 2018, van Vuren 2019, Wang 2021) and is also reported in ClinVar (Variation ID: 2435016). This variant is also absent from the Genome Aggregation Database (v2.1.1), indicating it is not a common polymorphism. This variant induces an early termination codon and is predicted to result in a truncated protein or mRNA subject to nonsense-mediated decay. Based on available information, this variant is considered to be pathogenic. References: Jamwal M et al. Next-Generation Sequencing-Based Diagnosis of Unexplained Inherited Hemolytic Anemias Reveals Wide Genetic and Phenotypic Heterogeneity. J Mol Diagn. 2020 Apr. PMID: 32036089. Kang M et al. Clinical manifestations of 17 Chinese children with hereditary spherocytosis caused by novel mutations of the ANK1 gene and phenotypic analysis. Front Genet. 2023 PMID: 36816036. More TA et al. Targeted next-generation sequencing identifies novel deleterious variants in ANK1 gene causing severe hereditary spherocytosis in Indian patients: expanding the molecular and clinical spectrum. Mol Genet Genomics. 2023 Mar. PMID: 36598564. Nakanishi H et al. Ankyrin gene mutations in japanese patients with hereditary spherocytosis. Int J Hematol. 2001 Jan. PMID: 11372755. Tan AW et al. Tokyo-1 Mutation: Hereditary Spherocytosis in a Hispanic Newborn Presenting as Early Onset Severe Hyperbilirubinemia. Fetal Pediatr Pathol. 2018 Aug. PMID: 30207817. van Vuren A et al. The Complexity of Genotype-Phenotype Correlations in Hereditary Spherocytosis: A Cohort of 95 Patients: Genotype-Phenotype Correlation in Hereditary Spherocytosis. Hemasphere. 2019 Aug. PMID: 31723846. Wang D et al. Mutational Characteristics of Causative Genes in Chinese Hereditary Spherocytosis Patients: a Report on Fourteen Cases and a Review of the Literature. Front Pharmacol. 2021 PMID: 34335240

Ambry Genetics
Classification: Pathogenic for Inborn genetic diseases. Last evaluated: 2024-03-27. Review status: criteria provided, single submitter. Criteria: Ambry Variant Classification Scheme 2023. Collection method: clinical testing. Allele origin: germline.
Comment: The c.3754C>T (p.R1252*) alteration, located in exon 31 (coding exon 31) of the ANK1 gene, consists of a C to T substitution at nucleotide position 3754. This changes the amino acid from an arginine (R) to a stop codon at amino acid position 1252. This alteration is expected to result in loss of function by premature protein truncation or nonsense-mediated mRNA decay. This variant was not reported in population-based cohorts in the Genome Aggregation Database (gnomAD). This variant was reported in multiple individuals with features consistent with autosomal dominant ANK1-related spherocytosis and was determined to be the result of a de novo mutation in at least one individual (More, 2023; Kang, 2023). Based on the available evidence, this alteration is classified as pathogenic.

Labcorp Genetics (formerly Invitae), Labcorp
Classification: Pathogenic. Last evaluated: 2023-12-23. Review status: criteria provided, single submitter. Criteria: Invitae Variant Classification Sherloc (09022015). Collection method: clinical testing. Allele origin: germline.
Comment: This sequence change creates a premature translational stop signal (p.Arg1252*) in the ANK1 gene. It is expected to result in an absent or disrupted protein product. Loss-of-function variants in ANK1 are known to be pathogenic (PMID: 8640229). This variant is not present in population databases (gnomAD no frequency). This premature translational stop signal has been observed in individual(s) with autosomal dominant hereditary spherocytosis (PMID: 11372755, 30207817, 31122244). This variant is also known as ankyrin Tokyo I. ClinVar contains an entry for this variant (Variation ID: 2435016). For these reasons, this variant has been classified as Pathogenic.

Juno Genomics, Hangzhou Juno Genomics, Inc
Classification: Pathogenic for Hereditary spherocytosis type 1. Review status: criteria provided, single submitter. Criteria: ACMG Guidelines, 2015. Collection method: clinical testing. Allele origin: germline. Affected: yes.
Comment: Absent from controls (or at extremely low frequency if recessive) in Genome Aggregation Database.;Null variant in a gene where loss of function (LOF) is a known mechanism of disease.;Assumed de novo, but without confirmation of paternity and maternity.;The prevalence of the variant in affected individuals is significantly increased compared to the prevalence in controls.;Patient's phenotype or family history is highly specific for a disease with a single genetic etiology.

Literature cited by the submitters: PubMed 8640229 (cited by Variantyx, Inc. and Labcorp Genetics (formerly Invitae), Labcorp); PubMed 32036089 (cited by Variantyx, Inc. and Mayo Clinic Laboratories, Mayo Clinic); PubMed 11372755 (cited by 3 submitters); PubMed 30207817 (cited by 3 submitters); PubMed 31122244 (cited by Variantyx, Inc. and Labcorp Genetics (formerly Invitae), Labcorp); PubMed 31723846 (cited by Mayo Clinic Laboratories, Mayo Clinic); PubMed 34335240 (cited by Mayo Clinic Laboratories, Mayo Clinic); PubMed 36816036 (cited by Mayo Clinic Laboratories, Mayo Clinic and Ambry Genetics); PubMed 36598564 (cited by Ambry Genetics).